The following is an entry in ClinVar:

NM_000126.4(ETFA):c.817-2A>G

Gene: ETFA (electron transfer flavoprotein subunit alpha; minus strand). Cytogenetic location: 15q24.2.
Variant type: single nucleotide variant.
Coding change: c.817-2A>G on transcript NM_000126.4 (MANE Select); the canonical splice acceptor site of the intron before coding-DNA position 817, A replaced by G.
Molecular consequence: splice acceptor variant.
Genome position (GRCh38, 1-based): chr15:76,231,400, T>C on the plus strand (A>G on the coding strand, the complement: ETFA is on the minus strand). VCF-style: chr15-76231400-T-C. GRCh37 (hg19) VCF-style: chr15-76523741-T-C.
Other names: c.670-2A>G (NM_001127716.2).
Identifiers: ClinVar variation 2705730 (VCV002705730.3), dbSNP rs2542969762, ClinGen allele CA393516072.
Genomic context (GRCh38, chr15:76,231,400, plus strand): 5'-TCTTTCATCCCAGCTAAATGTTGGATGGCTCCAGATATTCCAACAGCAATATAAAGTTCC[T>C]GAAATAAAAGAGGTCACATTATTAATATGTATTTATATTATATAATACTTTCCAAAGTGT-3'

ClinVar aggregate classification (germline): Likely pathogenic (1 of 4 stars; one submission).

Conditions:
Multiple acyl-CoA dehydrogenase deficiency (MADD). Also called: ETHYLMALONIC-ADIPICACIDURIA; GA II; Glutaric aciduria, type 2; Glutaric Acidemia type 2; Glutaric acidemia type II; GA 2. Identifiers: Orphanet 26791, MedGen C0268596, MONDO:0009282, OMIM 231680.

Submission:

Labcorp Genetics (formerly Invitae), Labcorp
Classification: Likely pathogenic for Multiple acyl-CoA dehydrogenase deficiency. Last evaluated: 2023-12-26. Review status: criteria provided, single submitter. Criteria: Invitae Variant Classification Sherloc (09022015). Collection method: clinical testing. Allele origin: germline.
Comment: This sequence change affects an acceptor splice site in intron 9 of the ETFA gene. It is expected to disrupt RNA splicing. Variants that disrupt the donor or acceptor splice site typically lead to a loss of protein function (PMID: 16199547), and loss-of-function variants in ETFA are known to be pathogenic (PMID: 16510302, 23785301). This variant is not present in population databases (gnomAD no frequency). This variant has not been reported in the literature in individuals affected with ETFA-related conditions. Algorithms developed to predict the effect of sequence changes on RNA splicing suggest that this variant may disrupt the consensus splice site. In summary, the currently available evidence indicates that the variant is pathogenic, but additional data are needed to prove that conclusively. Therefore, this variant has been classified as Likely Pathogenic.

Literature cited by the submitters: PubMed 16199547; PubMed 16510302; PubMed 23785301.